The following is an entry in ClinVar:

NM_000257.4(MYH7):c.3576del (p.Arg1193fs)

Gene: MYH7 (myosin heavy chain 7; minus strand). Cytogenetic location: 14q11.2.
Variant type: Deletion.
Coding change: c.3576del on transcript NM_000257.4 (MANE Select); coding-DNA position 3576, one base deleted (G; older notation c.3576delG).
Protein change: p.Arg1193fs; shifts the reading frame from arginine 1193.
Molecular consequence: frameshift variant.
Genome position (GRCh38, 1-based): chr14:23,419,995, C deleted on the plus strand (G on the coding strand, the reverse complement: MYH7 is on the minus strand). VCF-style (leftmost placement, unchanged base first): chr14-23419994-GC-G. GRCh37 (hg19) VCF-style: chr14-23889203-GC-G.
Other names: c.3576del, p.Arg1193fs (NM_001407004.1); short protein forms R1193fs.
Identifiers: ClinVar variation 2773910 (VCV002773910.2), dbSNP rs2502264259, ClinGen allele CA2697553860.
Genomic context (GRCh38, chr14:23,419,994, plus strand): 5'-CCCGCTGCAGGTTGTCGATCTGCTCGCCCAGCTCGGCCACGCTGTCGGCGTGCTTCTTGC[GC>G]AGGGCCGCGGCAGTGGCCTCGTGCTGCAGCGTGGCCTCCTCCAGGTCCCGCCGCATCTTC-3'

ClinVar aggregate classification (germline): Uncertain significance (1 of 4 stars; one submission).

Conditions:
Cardiomyopathy (CMYO). Also called: Cardiomyopathies. Identifiers: Orphanet 167848, MedGen C0878544, MONDO:0004994, HP:0001638. Inheritance: Various modes of inheritance.

Submission:

Color Diagnostics, LLC DBA Color Health
Classification: Uncertain significance for Cardiomyopathy. Last evaluated: 2023-03-28. Review status: criteria provided, single submitter. Criteria: ACMG Guidelines, 2015. Collection method: clinical testing. Allele origin: germline.
Comment: This variant deletes 1 nucleotide in exon 27 of the MYH7 gene, creating a frameshift and premature translation stop signal. This variant is expected to result in an absent or non-functional protein product. To our knowledge, this variant has not been reported in individuals affected with MYH7-related disorders in the literature. This variant has not been identified in the general population by the Genome Aggregation Database (gnomAD). The role of MYH7 truncation variants in autosomal dominant cardiomyopathy is not clearly understood. The available evidence is insufficient to determine the role of this variant in disease conclusively. Therefore, this variant is classified as a Variant of Uncertain Significance.